The following is an entry in ClinVar:

ClinVar aggregate classification (germline): Uncertain significance. Review status: criteria provided, multiple submitters, no conflicts (2 of 4 stars). 2 submissions from 2 submitters: Uncertain significance (2). Last evaluated 2023-06-14.

Allele frequency attached by ClinVar (database versions not stated): ExAC 0.00001; gnomAD 0.00001; gnomAD exomes 0.00001.
gnomAD v4.1: 9 of 1,209,830 alleles (0.00074%); highest among the groups gnomAD compares: Non-Finnish European, 0.001%; no homozygotes.

Submissions (2):

Labcorp Genetics (formerly Invitae), Labcorp
Classification: Uncertain significance. Last evaluated: 2023-06-14. Review status: criteria provided, single submitter. Criteria: Invitae Variant Classification Sherloc (09022015). Collection method: clinical testing. Allele origin: germline.
Comment: In summary, the available evidence is currently insufficient to determine the role of this variant in disease. Therefore, it has been classified as a Variant of Uncertain Significance. Algorithms developed to predict the effect of missense changes on protein structure and function output the following: SIFT: "Not Available"; PolyPhen-2: "Benign"; Align-GVGD: "Not Available". The proline amino acid residue is found in multiple mammalian species, which suggests that this missense change does not adversely affect protein function. ClinVar contains an entry for this variant (Variation ID: 957170). This variant has not been reported in the literature in individuals affected with NEXMIF-related conditions. This variant is present in population databases (rs760616317, gnomAD 0.001%), including at least one homozygous and/or hemizygous individual. This sequence change replaces serine, which is neutral and polar, with proline, which is neutral and non-polar, at codon 1008 of the NEXMIF protein (p.Ser1008Pro).

Ambry Genetics
Classification: Uncertain significance. Last evaluated: 2018-01-26. Review status: criteria provided, single submitter. Criteria: Ambry Variant Classification Scheme 2023. Collection method: clinical testing. Allele origin: germline.
Comment: The p.S1008P variant (also known as c.3022T>C), located in coding exon 2 of the KIAA2022 gene, results from a T to C substitution at nucleotide position 3022. The serine at codon 1008 is replaced by proline, an amino acid with similar properties. This amino acid position is highly conserved in available vertebrate species. In addition, this alteration is predicted to be tolerated by in silico analysis. Since supporting evidence is limited at this time, the clinical significance of this alteration remains unclear.

NM_001008537.3(NEXMIF):c.3022T>C (p.Ser1008Pro)

Gene: NEXMIF (neurite extension and migration factor; minus strand). Cytogenetic location: Xq13.3.
Variant type: single nucleotide variant.
Coding change: c.3022T>C on transcript NM_001008537.3 (MANE Select); coding-DNA position 3022, T replaced by C.
Protein change: p.Ser1008Pro; replaces serine 1008 with proline.
Molecular consequence: missense variant.
Genome position (GRCh38, 1-based): chrX:74,741,535, A>G on the plus strand (T>C on the coding strand, the complement: NEXMIF is on the minus strand). VCF-style: chrX-74741535-A-G. GRCh37 (hg19) VCF-style: chrX-73961370-A-G.
Other names: short protein forms S1008P.
Identifiers: ClinVar variation 957170 (VCV000957170.11), dbSNP rs760616317, ClinGen allele CA10454983.